The following is an entry in ClinVar:

ClinVar aggregate classification (germline): Uncertain significance (1 of 4 stars; one submission).

Submission:

GeneDx
Classification: Uncertain significance. Last evaluated: 2025-08-01. Review status: criteria provided, single submitter. Criteria: GeneDx Variant Classification Process June 2021. Collection method: clinical testing. Allele origin: germline. Affected: yes.
Comment: Not observed at significant frequency in large population cohorts (gnomAD); In silico analysis supports that this missense variant has a deleterious effect on protein structure/function; Has not been previously published as pathogenic or benign to our knowledge

NM_003128.3(SPTBN1):c.2277G>T (p.Trp759Cys)

Gene: SPTBN1 (spectrin beta, non-erythrocytic 1; plus strand). Cytogenetic location: 2p16.2.
Variant type: single nucleotide variant.
Coding change: c.2277G>T on transcript NM_003128.3 (MANE Select); coding-DNA position 2277, G replaced by T.
Protein change: p.Trp759Cys; replaces tryptophan 759 with cysteine.
Molecular consequence: missense variant.
Genome position (GRCh38, 1-based): chr2:54,629,411, G>T. VCF-style: chr2-54629411-G-T. GRCh37 (hg19) VCF-style: chr2-54856548-G-T.
Other names: c.2238G>T, p.Trp746Cys (NM_178313.3); short protein forms W746C, W759C.
Identifiers: ClinVar variation 4690184 (VCV004690184.1).